The following is an entry in ClinVar:

NM_003200.5(TCF3):c.608C>G (p.Ala203Gly)

Gene: TCF3 (transcription factor 3; minus strand). Cytogenetic location: 19p13.3.
Variant type: single nucleotide variant.
Coding change: c.608C>G on transcript NM_003200.5 (MANE Select); coding-DNA position 608, C replaced by G.
Protein change: p.Ala203Gly; replaces alanine 203 with glycine.
Molecular consequence: missense variant.
Genome position (GRCh38, 1-based): chr19:1,622,357, G>C on the plus strand (C>G on the coding strand, the complement: TCF3 is on the minus strand). VCF-style: chr19-1622357-G-C. GRCh37 (hg19) VCF-style: chr19-1622356-G-C.
Other names: c.608C>G, p.Ala203Gly (NM_001136139.4, NM_001351778.2, NM_001351779.2); short protein forms A203G.
Identifiers: ClinVar variation 1963437 (VCV001963437.5), dbSNP rs1188901761, ClinGen allele CA403056125.
Genomic context (GRCh38, chr19:1,622,357, plus strand): 5'-CCGCCCTGCCATGTACCTGCCACGTAGAAGGGGGCGGGATAGGTGCTGCTGGGGGTCTTG[G>C]CGGACGGGTAGGCGGTGGCATCCCTGCCGTAGTCCTCACCTGAGCTGGGTGGGTACACCT-3'
Protein context (NP_003191.1, residues 193-213): YGRDATAYPS[Ala203Gly]KTPSSTYPAP

ClinVar aggregate classification (germline): Uncertain significance (1 of 4 stars; one submission).

Allele frequency attached by ClinVar (database versions not stated): TOPMed below 0.00001.

Submission:

Labcorp Genetics (formerly Invitae), Labcorp
Classification: Uncertain significance. Last evaluated: 2022-03-27. Review status: criteria provided, single submitter. Criteria: Invitae Variant Classification Sherloc (09022015). Collection method: clinical testing. Allele origin: germline.
Comment: The frequency data for this variant in the population databases is considered unreliable, as metrics indicate poor data quality at this position in the gnomAD database. This sequence change replaces alanine, which is neutral and non-polar, with glycine, which is neutral and non-polar, at codon 203 of the TCF3 protein (p.Ala203Gly). This variant has not been reported in the literature in individuals affected with TCF3-related conditions. In summary, the available evidence is currently insufficient to determine the role of this variant in disease. Therefore, it has been classified as a Variant of Uncertain Significance. Algorithms developed to predict the effect of missense changes on protein structure and function are either unavailable or do not agree on the potential impact of this missense change (SIFT: "Not Available"; PolyPhen-2: "Benign"; Align-GVGD: "Not Available").